The following is an entry in ClinVar:

NM_006005.3(WFS1):c.1243G>C (p.Val415Leu)

Gene: WFS1 (wolframin ER transmembrane glycoprotein; plus strand). Cytogenetic location: 4p16.1.
Variant type: single nucleotide variant.
Coding change: c.1243G>C on transcript NM_006005.3 (MANE Select); coding-DNA position 1243, G replaced by C.
Protein change: p.Val415Leu; replaces valine 415 with leucine.
Molecular consequence: missense variant.
Genome position (GRCh38, 1-based): chr4:6,301,038, G>C. VCF-style: chr4-6301038-G-C. GRCh37 (hg19) VCF-style: chr4-6302765-G-C.
Other names: c.1243G>C, p.Val415Leu (NM_001145853.1); short protein forms V415L.
Identifiers: ClinVar variation 1370377 (VCV001370377.10), dbSNP rs749886570, ClinGen allele CA2839282.

ClinVar aggregate classification (germline): Uncertain significance. Review status: criteria provided, multiple submitters, no conflicts (2 of 4 stars). 4 submissions from 4 submitters: Uncertain significance (4). Last evaluated 2025-12-22.

Conditions:
WFS1-related disorder. Identifiers: MedGen CN379391, MONDO:0700293.
Cataract 41 (CTRCT41). Also called: CATARACT 41, CONGENITAL NUCLEAR TYPE. Identifiers: Orphanet 91492, Orphanet 98991, Orphanet 98992, Orphanet 98995, MedGen C3805412, MONDO:0007287, OMIM 116400.
Autosomal dominant nonsyndromic hearing loss 6 (LFSNHL). Also called: Autosomal dominant nonsyndromic deafness 6; DEAFNESS, AUTOSOMAL DOMINANT 6; DEAFNESS, AUTOSOMAL DOMINANT 14; DEAFNESS, AUTOSOMAL DOMINANT 38. Identifiers: Orphanet 90635, MedGen C1833021, MONDO:0010963, OMIM 600965.
Type 2 diabetes mellitus. Also called: Type II diabetes mellitus. Identifiers: MedGen C0011860, MeSH D003924, MONDO:0005148, OMIM 125853, HP:0005978.
Wolfram-like syndrome. Also called: HEARING LOSS, PROGRESSIVE, WITH OPTIC ATROPHY AND/OR IMPAIRED GLUCOSE REGULATION. Identifiers: Orphanet 411590, MedGen C3280358, MONDO:0013673, OMIM 614296.
Wolfram syndrome 1 (WFS1). Identifiers: Orphanet 3463, MedGen C4551693, MONDO:0009101, OMIM 222300.

Submissions (4):

Labcorp Genetics (formerly Invitae), Labcorp
Classification: Uncertain significance. Last evaluated: 2025-12-22. Review status: criteria provided, single submitter. Criteria: Invitae Variant Classification Sherloc (09022015). Collection method: clinical testing. Allele origin: germline.
Comment: This sequence change replaces valine, which is neutral and non-polar, with leucine, which is neutral and non-polar, at codon 415 of the WFS1 protein (p.Val415Leu). This variant is present in population databases (rs749886570, gnomAD 0.006%). This variant has not been reported in the literature in individuals affected with WFS1-related conditions. ClinVar contains an entry for this variant (Variation ID: 1370377). Invitae Evidence Modeling of protein sequence and biophysical properties (such as structural, functional, and spatial information, amino acid conservation, physicochemical variation, residue mobility, and thermodynamic stability) indicates that this missense variant is not expected to disrupt WFS1 protein function with a negative predictive value of 95%. In summary, the available evidence is currently insufficient to determine the role of this variant in disease. Therefore, it has been classified as a Variant of Uncertain Significance.

PreventionGenetics, part of Exact Sciences
Classification: Uncertain significance for WFS1-related condition. Last evaluated: 2025-06-27. Review status: criteria provided, single submitter. Criteria: ACMG Guidelines, 2015. Collection method: clinical testing. Allele origin: germline.
Comment: The WFS1 c.1243G>C variant is predicted to result in the amino acid substitution p.Val415Leu. To our knowledge, this variant has not been reported in the literature. This variant is reported in 0.0065% of alleles in individuals of South Asian descent in gnomAD. At this time, the clinical significance of this variant is uncertain due to the absence of conclusive functional and genetic evidence.

GeneDx
Classification: Uncertain significance. Last evaluated: 2025-06-10. Review status: criteria provided, single submitter. Criteria: GeneDx Variant Classification Process June 2021. Collection method: clinical testing. Allele origin: germline. Affected: yes.
Comment: In silico analysis suggests that this missense variant does not alter protein structure/function; Has not been previously published as pathogenic or benign to our knowledge

Fulgent Genetics
Classification: Uncertain significance for Cataract 41; Type 2 diabetes mellitus; Wolfram syndrome 1; Autosomal dominant nonsyndromic hearing loss 6; Wolfram-like syndrome. Last evaluated: 2024-03-03. Review status: criteria provided, single submitter. Criteria: ACMG Guidelines, 2015. Collection method: clinical testing. Allele origin: germline.